The following is an entry in ClinVar:

ClinVar aggregate classification (germline): Uncertain significance (1 of 4 stars; one submission).

Conditions:
BBS4-related disorder. Also called: BBS4-related condition.

Submission:

PreventionGenetics, part of Exact Sciences
Classification: Uncertain significance for BBS4-related condition. Last evaluated: 2025-10-21. Review status: criteria provided, single submitter. Criteria: ACMG Guidelines, 2015. Collection method: clinical testing. Allele origin: germline.
Comment: The BBS4 c.1485_1488dupATCT variant is predicted to result in a frameshift and premature protein termination (p.Leu497Ilefs*16). To our knowledge, this variant has not been reported in the literature or in a large population database (gnomAD), indicating this variant is rare. This variant resides in the final exon of this gene, and it is unclear if the resulting mRNA would undergo nonsense-mediated decay. At this time, the clinical significance of this variant is uncertain due to the absence of conclusive functional and genetic evidence.

NM_033028.5(BBS4):c.1485_1488dup (p.Leu497fs)

Gene: BBS4 (Bardet-Biedl syndrome 4; plus strand). Cytogenetic location: 15q24.1.
Variant type: Duplication.
Coding change: c.1485_1488dup on transcript NM_033028.5 (MANE Select); coding-DNA positions 1485 to 1488, 4 bases duplicated (ATCT; older notation c.1485_1488dupATCT).
Protein change: p.Leu497fs; shifts the reading frame from leucine 497.
Molecular consequence: frameshift variant. On other transcripts: non-coding transcript variant (2).
Genome position (GRCh38, 1-based): chr15:72,737,512-72,737,515, ATCT duplicated. VCF-style (leftmost placement, unchanged base first): chr15-72737511-C-CATCT. GRCh37 (hg19) VCF-style: chr15-73029852-C-CATCT.
Other names: c.969_972dup, p.Leu325fs (NM_001252678.2); c.1416_1419dup, p.Leu474fs (NM_001320665.2); short protein forms L474fs, L497fs, L325fs.
Identifiers: ClinVar variation 4995047 (VCV004995047.1).